The following is an entry in ClinVar:

NM_138636.5(TLR8):c.2581A>T (p.Asn861Tyr)

Genes: TLR8 (toll like receptor 8; plus strand), TLR8-AS1 (TLR8 antisense RNA 1; minus strand). Cytogenetic location: Xp22.2.
Variant type: single nucleotide variant.
Coding change: c.2581A>T on transcript NM_138636.5 (MANE Select); coding-DNA position 2581, A replaced by T.
Protein change: p.Asn861Tyr; replaces asparagine 861 with tyrosine.
Molecular consequence: missense variant.
Genome position (GRCh38, 1-based): chrX:12,921,621, A>T. VCF-style: chrX-12921621-A-T. GRCh37 (hg19) VCF-style: chrX-12939740-A-T.
Other names: c.2635A>T, p.Asn879Tyr (NM_016610.4); c.2635A>T (NM_016610.3); short protein forms N861Y, N879Y.
Identifiers: ClinVar variation 3178059 (VCV003178059.2), dbSNP rs2518461416, ClinGen allele CA412418450.

ClinVar aggregate classification (germline): Uncertain significance. Review status: criteria provided, single submitter (1 of 4 stars). 2 submissions from 2 submitters: Uncertain significance (1). 1 of the submissions does not count toward it. Last evaluated 2023-09-21.

Conditions:
TLR8-related condition.

Allele frequency attached by ClinVar (database versions not stated): gnomAD exomes below 0.00001.
gnomAD v4.1: 2 of 1,211,250 alleles (0.00017%); highest among the groups gnomAD compares: Non-Finnish European, 0.00022%; no homozygotes.

Submissions (2):

Ambry Genetics
Classification: Uncertain significance. Last evaluated: 2023-09-21. Review status: criteria provided, single submitter. Criteria: Ambry Variant Classification Scheme 2023. Collection method: clinical testing. Allele origin: germline.

PreventionGenetics, part of Exact Sciences
Classification: Uncertain significance for TLR8-related condition. Last evaluated: 2024-04-23. Review status: no assertion criteria provided. Collection method: clinical testing. Allele origin: germline. Not counted in ClinVar's aggregate classification.
Comment: The TLR8 c.2635A>T variant is predicted to result in the amino acid substitution p.Asn879Tyr. To our knowledge, this variant has not been reported in the literature or in a large population database, indicating this variant is rare. At this time, the clinical significance of this variant is uncertain due to the absence of conclusive functional and genetic evidence.